The following is an entry in ClinVar:

ClinVar aggregate classification (germline): Uncertain significance. Review status: criteria provided, multiple submitters, no conflicts (2 of 4 stars). 2 submissions from 2 submitters: Uncertain significance (2). Last evaluated 2025-11-01.

Conditions:
Emery-Dreifuss muscular dystrophy 4, autosomal dominant (EDMD4). Also called: EMERY-DREIFUSS MUSCULAR DYSTROPHY 4 WITH VARIABLE FEATURES. Identifiers: Orphanet 261, MedGen C2751807, MONDO:0013071, OMIM 612998.
Autosomal recessive ataxia, Beauce type. Also called: Spinocerebellar ataxia, autosomal recessive 8; ATAXIA, RECESSIVE, OF BEAUCE; SYNE1 Deficiency; SYNE1-Related Autosomal Recessive Cerebellar Ataxia. Identifiers: Orphanet 88644, MedGen C1853116, MONDO:0012549, OMIM 610743.

Allele frequency attached by ClinVar (database versions not stated): ExAC 0.00003; gnomAD exomes 0.00003; gnomAD 0.00006; TOPMed 0.00006; ESP Exome Variant Server 0.00015.
gnomAD v4.1: 34 of 1,614,050 alleles (0.0021%); highest among the groups gnomAD compares: African/African-American, 0.025%; no homozygotes.

Submissions (2):

Labcorp Genetics (formerly Invitae), Labcorp
Classification: Uncertain significance for Emery-Dreifuss muscular dystrophy 4, autosomal dominant; Autosomal recessive ataxia, Beauce type. Last evaluated: 2025-11-01. Review status: criteria provided, single submitter. Criteria: Invitae Variant Classification Sherloc (09022015). Collection method: clinical testing. Allele origin: germline.
Comment: This sequence change replaces cysteine, which is neutral and slightly polar, with tryptophan, which is neutral and slightly polar, at codon 3810 of the SYNE1 protein (p.Cys3810Trp). This variant is present in population databases (rs146919170, gnomAD 0.02%). This variant has not been reported in the literature in individuals affected with SYNE1-related conditions. ClinVar contains an entry for this variant (Variation ID: 805542). An algorithm developed to predict the effect of missense changes on protein structure and function outputs the following: PolyPhen-2: "Benign". The tryptophan amino acid residue is found in multiple mammalian species, which suggests that this missense change does not adversely affect protein function. In summary, the available evidence is currently insufficient to determine the role of this variant in disease. Therefore, it has been classified as a Variant of Uncertain Significance.

Athena Diagnostics
Classification: Uncertain significance. Last evaluated: 2024-10-18. Review status: criteria provided, single submitter. Criteria: Athena Diagnostics Criteria. Collection method: clinical testing. Allele origin: unknown.
Comment: Available data are insufficient to determine the clinical significance of the variant at this time. The frequency of this variant in the general population is uninformative in assessment of its pathogenicity. Polyphen and MutationTaster predict this amino acid change may be benign.

NM_182961.4(SYNE1):c.11475C>G (p.Cys3825Trp)

Gene: SYNE1 (spectrin repeat containing nuclear envelope protein 1; minus strand). Cytogenetic location: 6q25.2.
Variant type: single nucleotide variant.
Coding change: c.11475C>G on transcript NM_182961.4 (MANE Select); coding-DNA position 11475, C replaced by G.
Protein change: p.Cys3825Trp; replaces cysteine 3825 with tryptophan.
Molecular consequence: missense variant.
Genome position (GRCh38, 1-based): chr6:152,352,132, G>C on the plus strand (C>G on the coding strand, the complement: SYNE1 is on the minus strand). VCF-style: chr6-152352132-G-C. GRCh37 (hg19) VCF-style: chr6-152673267-G-C.
Other names: c.11430C>G, p.Cys3810Trp (NM_033071.5); short protein forms C3825W, C3810W.
Identifiers: ClinVar variation 805542 (VCV000805542.5), dbSNP rs146919170, ClinGen allele CA4056685.